The following is an entry in ClinVar:

NM_006005.3(WFS1):c.2015T>C (p.Leu672Pro)

Gene: WFS1 (wolframin ER transmembrane glycoprotein; plus strand). Cytogenetic location: 4p16.1.
Variant type: single nucleotide variant.
Coding change: c.2015T>C on transcript NM_006005.3 (MANE Select); coding-DNA position 2015, T replaced by C.
Protein change: p.Leu672Pro; replaces leucine 672 with proline.
Molecular consequence: missense variant.
Genome position (GRCh38, 1-based): chr4:6,301,810, T>C. VCF-style: chr4-6301810-T-C. GRCh37 (hg19) VCF-style: chr4-6303537-T-C.
Other names: c.2015T>C, p.Leu672Pro (NM_001145853.1); short protein forms L672P.
Identifiers: ClinVar variation 918069 (VCV000918069.4), dbSNP rs1222900668, ClinGen allele CA356177290.

ClinVar aggregate classification (germline): Pathogenic/Likely pathogenic. Review status: criteria provided, multiple submitters, no conflicts (2 of 4 stars). 3 submissions from 3 submitters: Pathogenic (1); Likely pathogenic (1). 1 of the submissions does not count toward it. Last evaluated 2026-10-08.

Conditions:
WFS1-related disorder. Identifiers: MedGen CN379391, MONDO:0700293.
Diabetes mellitus. Also called: Diabetes mellitus (disease). Identifiers: MedGen C0011849, MONDO:0005015, HP:0000819.

Allele frequency attached by ClinVar (database versions not stated): gnomAD exomes below 0.00001.
gnomAD v4.1: 7 of 1,613,332 alleles (0.00043%); highest among the groups gnomAD compares: Non-Finnish European, 0.00034%; no homozygotes.

Submissions (3):

GeneDx
Classification: Likely pathogenic. Last evaluated: 2026-10-08. Review status: criteria provided, single submitter. Criteria: GeneDx Variant Classification Process June 2021. Collection method: clinical testing. Allele origin: germline.
Comment: Observed with a second WFS1 variant on the opposite allele (in trans) in additional patients with diabetes or Wolfram syndrome in published literature (PMID: 33538814, 20875904); Not observed at significant frequency in large population cohorts (gnomAD); In silico analysis supports that this missense variant has a deleterious effect on protein structure/function; This variant is associated with the following publications: (PMID: 34746052, 15852062, 34258273, 20875904, 33538814)

Blueprint Genetics
Classification: Pathogenic for WFS1-related disorders. Last evaluated: 2021-12-01. Review status: criteria provided, single submitter. Criteria: ACMG Guidelines, 2015. Collection method: clinical testing. Allele origin: germline. Affected: yes. Observed: 2 variant alleles.

Constantin Polychronakos Laboratory, The Research Institute of the McGill University Health Centre
Classification: Pathogenic for Diabetes mellitus. Review status: no assertion criteria provided. Collection method: research. Allele origin: maternal. Inheritance: Autosomal recessive inheritance. Affected: yes. Study: T1DGC. Not counted in ClinVar's aggregate classification.
Comment: PS1 PM2 PP3 PP4